The following is an entry in ClinVar:

NM_000051.4(ATM):c.7108A>G (p.Asn2370Asp)

Genes: ATM (ATM serine/threonine kinase; plus strand), C11orf65 (chromosome 11 open reading frame 65; minus strand). Cytogenetic location: 11q22.3.
Variant type: single nucleotide variant.
Coding change: c.7108A>G on transcript NM_000051.4 (MANE Select); coding-DNA position 7108, A replaced by G.
Protein change: p.Asn2370Asp; replaces asparagine 2370 with aspartic acid.
Molecular consequence: missense variant. On other transcripts: intron variant (2).
Genome position (GRCh38, 1-based): chr11:108,329,039, A>G. VCF-style: chr11-108329039-A-G. GRCh37 (hg19) VCF-style: chr11-108199766-A-G.
Other names: c.7108A>G, p.Asn2370Asp (NM_001351834.2); c.641-19968T>C (NM_001330368.2); c.*38+6181T>C (NM_001351110.2); short protein forms N2370D.
Identifiers: ClinVar variation 246353 (VCV000246353.18), dbSNP rs767494363, ClinGen allele CA6266069.

ClinVar aggregate classification (germline): Uncertain significance. Review status: criteria provided, multiple submitters, no conflicts (2 of 4 stars). 6 submissions from 6 submitters: Uncertain significance (6). Last evaluated 2025-09-28.

Conditions:
Hereditary cancer-predisposing syndrome. Also called: Neoplastic Syndromes, Hereditary; Hereditary neoplastic syndrome; Tumor predisposition; Hereditary Cancer Syndrome. Identifiers: Orphanet 140162, MedGen C0027672, MeSH D009386, MONDO:0015356.
Ataxia-telangiectasia syndrome (AT). Also called: Ataxia telangiectasia (A-T); Cerebello-oculocutaneous telangiectasia; Immunodeficiency with ataxia telangiectasia; LOUIS-BAR SYNDROME; AT, COMPLEMENTATION GROUP C; ATAXIA-TELANGIECTASIA, FRESNO VARIANT. Identifiers: Orphanet 100, MedGen C0004135, MONDO:0008840, OMIM 208900.
Familial cancer of breast. Also called: hereditary breast carcinoma; Hereditary breast cancer; BREAST CANCER, FAMILIAL. Identifiers: Orphanet 227535, MedGen C0346153, MONDO:0016419, OMIM 114480. Disease mechanism: loss of function.

Allele frequency attached by ClinVar (database versions not stated): gnomAD 0.00001; gnomAD exomes 0.00001; TOPMed below 0.00001; ExAC 0.00001.
gnomAD v4.1: 3 of 1,613,980 alleles (0.00019%); highest among the groups gnomAD compares: Non-Finnish European, 0.00017%; no homozygotes.

Submissions (6):

Ambry Genetics
Classification: Uncertain significance for Hereditary cancer-predisposing syndrome. Last evaluated: 2025-09-28. Review status: criteria provided, single submitter. Criteria: Ambry Variant Classification Scheme 2023. Collection method: clinical testing. Allele origin: germline.
Comment: The p.N2370D variant (also known as c.7108A>G), located in coding exon 48 of the ATM gene, results from an A to G substitution at nucleotide position 7108. The asparagine at codon 2370 is replaced by aspartic acid, an amino acid with highly similar properties. This amino acid position is not well conserved in available vertebrate species. In addition, this alteration is predicted to be tolerated by in silico analysis. Since supporting evidence is limited at this time, the clinical significance of this alteration remains unclear.

Labcorp Genetics (formerly Invitae), Labcorp
Classification: Uncertain significance for Ataxia-telangiectasia syndrome. Last evaluated: 2025-03-13. Review status: criteria provided, single submitter. Criteria: Invitae Variant Classification Sherloc (09022015). Collection method: clinical testing. Allele origin: germline.
Comment: This sequence change replaces asparagine, which is neutral and polar, with aspartic acid, which is acidic and polar, at codon 2370 of the ATM protein (p.Asn2370Asp). This variant is present in population databases (rs767494363, gnomAD 0.002%). This variant has not been reported in the literature in individuals affected with ATM-related conditions. ClinVar contains an entry for this variant (Variation ID: 246353). Invitae Evidence Modeling of protein sequence and biophysical properties (such as structural, functional, and spatial information, amino acid conservation, physicochemical variation, residue mobility, and thermodynamic stability) indicates that this missense variant is not expected to disrupt ATM protein function with a negative predictive value of 95%. In summary, the available evidence is currently insufficient to determine the role of this variant in disease. Therefore, it has been classified as a Variant of Uncertain Significance.

Baylor Genetics
Classification: Uncertain significance for Familial cancer of breast. Last evaluated: 2024-03-24. Review status: criteria provided, single submitter. Criteria: ACMG Guidelines, 2015. Collection method: clinical testing. Allele origin: unknown.

Institute for Clinical Genetics, University Hospital TU Dresden, University Hospital TU Dresden
Classification: Uncertain significance. Last evaluated: 2021-11-03. Review status: criteria provided, single submitter. Criteria: ACMG Guidelines, 2015. Collection method: clinical testing. Allele origin: germline.

Women's Health and Genetics/Laboratory Corporation of America, LabCorp
Classification: Uncertain significance. Last evaluated: 2016-07-11. Review status: criteria provided, single submitter. Criteria: LabCorp Variant Classification Summary - May 2015. Collection method: clinical testing. Allele origin: germline.
Comment: Variant summary: The ATM c.7108A>G (p.Asn2370Asp) variant causes a missense change involving a non-conserved nucleotide with 4/4 in silico tools (SNPs&GO not captured due to low reliability index) predict a benign outcome, although these predictions have yet to be functionally assessed. The variant of interest was observed in the large, broad control population, ExAC, with an allele frequency of 1/120934, which does not exceed the estimated maximal expected allele frequency for a pathogenic ATM variant of 1/252 for Ataxia-Telangiectasia. The variant of interest has not, to our knowledge, been reported in affected individuals via publications and/or reputable databases/clinical diagnostic laboratories. Because of the absence of clinical information and the lack of functional studies, the variant was classified as a "Variant of Uncertain Significance (VUS)," until additional information becomes available.

GeneDx
Classification: Uncertain significance. Last evaluated: 2016-01-26. Review status: criteria provided, single submitter. Criteria: GeneDx Variant Classification (06012015). Collection method: clinical testing. Allele origin: germline. Affected: yes.
Comment: This variant is denoted ATM c.7108A>G at the cDNA level, p.Asn2370Asp (N2370D) at the protein level, and results in the change of an Asparagine to an Aspartic Acid (AAT>GAT). This variant has not, to our knowledge, been published in the literature as pathogenic or benign. ATM Asn2370Asp was not observed in approximately 6,500 individuals of European and African American ancestry in the NHLBI Exome Sequencing Project, suggesting it is not a common benign variant in these populations. Since Asparagine and Aspartic Acid differ in some properties, this is considered a semi-conservative amino acid substitution. ATM Asn2370Asp occurs at a position that is not conserved and is located within the FAT domain (Tavtigian 2009, Stracker 2013). In silico analyses are inconsistent regarding the effect this variant may have on protein structure and function. Based on currently available evidence, it is unclear whether ATM Asn2370Asp is a pathogenic or benign variant. We consider it to be a variant of uncertain significance.